The following is an entry in ClinVar:

NM_000268.4(NF2):c.757A>G (p.Lys253Glu)

Gene: NF2 (NF2, moesin-ezrin-radixin like (MERLIN) tumor suppressor; plus strand). Cytogenetic location: 22q12.2.
Variant type: single nucleotide variant.
Coding change: c.757A>G on transcript NM_000268.4 (MANE Select); coding-DNA position 757, A replaced by G.
Protein change: p.Lys253Glu; replaces lysine 253 with glutamic acid.
Molecular consequence: missense variant. On other transcripts: non-coding transcript variant (1), intron variant (4).
Genome position (GRCh38, 1-based): chr22:29,661,286, A>G. VCF-style: chr22-29661286-A-G. GRCh37 (hg19) VCF-style: chr22-30057275-A-G.
Other names: c.643A>G, p.Lys215Glu (NM_001407053.1, NM_001407056.1); c.634A>G, p.Lys212Glu (NM_001407054.1, NM_001407058.1, NM_181829.3); c.631A>G, p.Lys211Glu (NM_001407055.1, NM_181828.3); c.757A>G, p.Lys253Glu (NM_001407060.1, NM_001407066.1, NM_016418.5 and 2 more transcripts); c.508A>G, p.Lys170Glu (NM_001407063.1, NM_001407064.1, NM_181830.3 and 1 more transcripts); c.223A>G, p.Lys75Glu (NM_001407065.1); c.526A>G, p.Lys176Glu (NM_001407067.1); c.675+3022A>G (NM_001407059.1, NM_001407057.1); and 2 more; short protein forms K170E, K176E, K211E, K215E, K253E, K212E, K75E.
Identifiers: ClinVar variation 3299441 (VCV003299441.2).

ClinVar aggregate classification (germline): Uncertain significance. Review status: criteria provided, multiple submitters, no conflicts (2 of 4 stars). 2 submissions from 2 submitters: Uncertain significance (2). Last evaluated 2025-12-30.

Conditions:
Hereditary cancer-predisposing syndrome. Also called: Neoplastic Syndromes, Hereditary; Hereditary Cancer Syndrome; Hereditary neoplastic syndrome; Tumor predisposition. Identifiers: Orphanet 140162, MedGen C0027672, MeSH D009386, MONDO:0015356.
Neurofibromatosis, type 2 (SWNV). Also called: NF2-Related Schwannomatosis; BILATERAL ACOUSTIC NEUROFIBROMATOSIS; SCHWANNOMATOSIS, VESTIBULAR. Identifiers: Orphanet 637, MedGen C0027832, MONDO:0007039, OMIM 101000. Disease mechanism: loss of function.

Submissions (2):

Labcorp Genetics (formerly Invitae), Labcorp
Classification: Uncertain significance for Neurofibromatosis, type 2. Last evaluated: 2025-12-30. Review status: criteria provided, single submitter. Criteria: Invitae Variant Classification Sherloc (09022015). Collection method: clinical testing. Allele origin: germline.
Comment: This sequence change replaces lysine, which is basic and polar, with glutamic acid, which is acidic and polar, at codon 253 of the NF2 protein (p.Lys253Glu). This variant is not present in population databases (gnomAD no frequency). This variant has not been reported in the literature in individuals affected with NF2-related conditions. ClinVar contains an entry for this variant (Variation ID: 3299441). Invitae Evidence Modeling of protein sequence and biophysical properties (such as structural, functional, and spatial information, amino acid conservation, physicochemical variation, residue mobility, and thermodynamic stability) indicates that this missense variant is not expected to disrupt NF2 protein function with a negative predictive value of 80%. In summary, the available evidence is currently insufficient to determine the role of this variant in disease. Therefore, it has been classified as a Variant of Uncertain Significance.

Ambry Genetics
Classification: Uncertain significance for Hereditary cancer-predisposing syndrome. Last evaluated: 2024-05-31. Review status: criteria provided, single submitter. Criteria: Ambry Variant Classification Scheme 2023. Collection method: clinical testing. Allele origin: germline.
Comment: The p.K253E variant (also known as c.757A>G), located in coding exon 8 of the NF2 gene, results from an A to G substitution at nucleotide position 757. The lysine at codon 253 is replaced by glutamic acid, an amino acid with similar properties. This amino acid position is conserved. In addition, this alteration is predicted to be deleterious by in silico analysis. Based on the available evidence, the clinical significance of this variant remains unclear.